The following is an entry in ClinVar:

NM_144643.4(SCLT1):c.1108C>T (p.Arg370Trp)

Gene: SCLT1 (sodium channel and clathrin linker 1; minus strand). Cytogenetic location: 4q28.2.
Variant type: single nucleotide variant.
Coding change: c.1108C>T on transcript NM_144643.4 (MANE Select); coding-DNA position 1108, C replaced by T.
Protein change: p.Arg370Trp; replaces arginine 370 with tryptophan.
Molecular consequence: missense variant.
Genome position (GRCh38, 1-based): chr4:128,957,064, G>A on the plus strand (C>T on the coding strand, the complement: SCLT1 is on the minus strand). VCF-style: chr4-128957064-G-A. GRCh37 (hg19) VCF-style: chr4-129878219-G-A.
Other names: c.1108C>T (NM_144643.3, NM_144643.2); short protein forms R370W.
Identifiers: ClinVar variation 1408027 (VCV001408027.10), dbSNP rs771005429, ClinGen allele CA3079740.

ClinVar aggregate classification (germline): Uncertain significance. Review status: criteria provided, multiple submitters, no conflicts (2 of 4 stars). 3 submissions from 3 submitters: Uncertain significance (2). 1 of the submissions does not count toward it. Last evaluated 2025-01-21.

Conditions:
SCLT1-related disorder. Also called: SCLT1-related condition.

Allele frequency attached by ClinVar (database versions not stated): ExAC 0.00001.
gnomAD v4.1: 7 of 1,599,740 alleles (0.00044%); highest among the groups gnomAD compares: Middle Eastern, 0.017%; no homozygotes.

Submissions (3):

Ambry Genetics
Classification: Uncertain significance. Last evaluated: 2025-01-21. Review status: criteria provided, single submitter. Criteria: Ambry Variant Classification Scheme 2023. Collection method: clinical testing. Allele origin: germline.

Labcorp Genetics (formerly Invitae), Labcorp
Classification: Uncertain significance. Last evaluated: 2024-12-16. Review status: criteria provided, single submitter. Criteria: Invitae Variant Classification Sherloc (09022015). Collection method: clinical testing. Allele origin: germline.
Comment: This sequence change replaces arginine, which is basic and polar, with tryptophan, which is neutral and slightly polar, at codon 370 of the SCLT1 protein (p.Arg370Trp). This variant is present in population databases (rs771005429, gnomAD 0.003%). This variant has not been reported in the literature in individuals affected with SCLT1-related conditions. ClinVar contains an entry for this variant (Variation ID: 1408027). An algorithm developed to predict the effect of missense changes on protein structure and function (PolyPhen-2) suggests that this variant is likely to be disruptive. In summary, the available evidence is currently insufficient to determine the role of this variant in disease. Therefore, it has been classified as a Variant of Uncertain Significance.

PreventionGenetics, part of Exact Sciences
Classification: Uncertain significance for SCLT1-related condition. Last evaluated: 2024-08-20. Review status: no assertion criteria provided. Collection method: clinical testing. Allele origin: germline. Not counted in ClinVar's aggregate classification.
Comment: The SCLT1 c.1108C>T variant is predicted to result in the amino acid substitution p.Arg370Trp. To our knowledge, this variant has not been reported in the literature. This variant is reported in 0.0030% of alleles in individuals of Latino descent in gnomAD. At this time, the clinical significance of this variant is uncertain due to the absence of conclusive functional and genetic evidence.